The following is an entry in ClinVar:

ClinVar aggregate classification (germline): Benign/Likely benign. Review status: criteria provided, multiple submitters, no conflicts (2 of 4 stars). 6 submissions from 6 submitters: Benign (2); Likely benign (3). 1 of the submissions does not count toward it. Last evaluated 2026-01-26.

Conditions:
Primary ciliary dyskinesia. Also called: Ciliary dyskinesia. Identifiers: Orphanet 244, MedGen C0008780, MONDO:0016575, HP:0012265.
Primary ciliary dyskinesia 3. Identifiers: Orphanet 244, MedGen C1837618, MONDO:0012085, OMIM 608644.

Allele frequency attached by ClinVar (database versions not stated): gnomAD 0.00011 and 0.00069; TOPMed 0.00025; gnomAD exomes 0.00134 and 0.00273; ExAC 0.00283; 1000 Genomes Project 30x 0.00515; 1000 Genomes Project 0.00519.
gnomAD v4.1: 2,123 of 1,614,174 alleles (0.13%); highest among the groups gnomAD compares: South Asian, 2%; 39 homozygotes.

Submissions (6):

Labcorp Genetics (formerly Invitae), Labcorp
Classification: Benign for Primary ciliary dyskinesia. Last evaluated: 2026-01-26. Review status: criteria provided, single submitter. Criteria: Invitae Variant Classification Sherloc (09022015). Collection method: clinical testing. Allele origin: germline.

ARUP Laboratories, Molecular Genetics and Genomics, ARUP Laboratories
Classification: Likely benign for Primary ciliary dyskinesia 3. Last evaluated: 2022-04-06. Review status: criteria provided, single submitter. Criteria: ARUP Molecular Germline Variant Investigation Process 2021. Collection method: clinical testing. Allele origin: germline.

Ambry Genetics
Classification: Benign for Primary ciliary dyskinesia. Last evaluated: 2019-02-16. Review status: criteria provided, single submitter. Criteria: Ambry Variant Classification Scheme 2023. Collection method: clinical testing. Allele origin: germline.

Illumina Laboratory Services, Illumina
Classification: Likely benign for Primary ciliary dyskinesia 3. Last evaluated: 2018-01-13. Review status: criteria provided, single submitter. Criteria: ICSL Variant Classification Criteria 13 December 2019. Collection method: clinical testing. Allele origin: germline.
Comment: This variant was observed in the ICSL laboratory as part of a predisposition screen in an ostensibly healthy population. It had not been previously curated by ICSL or reported in the Human Gene Mutation Database (HGMD: prior to June 1st, 2018), and was therefore a candidate for classification through an automated scoring system. Utilizing variant allele frequency, disease prevalence and penetrance estimates, and inheritance mode, an automated score was calculated to assess if this variant is too frequent to cause the disease. Based on the score and internal cut-off values, a variant classified as likely benign is not then subjected to further curation. The score for this variant resulted in a classification of likely benign for this disease.

Breakthrough Genomics
Classification: Likely benign. Review status: criteria provided, single submitter. Criteria: ACMG Guidelines, 2015. Collection method: not provided. Allele origin: germline. Inheritance: Autosomal recessive inheritance. Affected: yes.

Natera, Inc.
Classification: Benign for Primary ciliary dyskinesia. Last evaluated: 2020-01-10. Review status: no assertion criteria provided. Collection method: clinical testing. Allele origin: germline. Not counted in ClinVar's aggregate classification.

NM_001369.3(DNAH5):c.3112G>A (p.Val1038Met)

Genes: DNAH5 (dynein axonemal heavy chain 5; minus strand), DNAH5-AS1 (DNAH5 antisense RNA 1; plus strand). Cytogenetic location: 5p15.2.
Variant type: single nucleotide variant.
Coding change: c.3112G>A on transcript NM_001369.3 (MANE Select); coding-DNA position 3112, G replaced by A.
Protein change: p.Val1038Met; replaces valine 1038 with methionine.
Molecular consequence: missense variant.
Genome position (GRCh38, 1-based): chr5:13,882,966, C>T on the plus strand (G>A on the coding strand, the complement: DNAH5 is on the minus strand). VCF-style: chr5-13882966-C-T. GRCh37 (hg19) VCF-style: chr5-13883075-C-T.
Other names: short protein forms V1038M.
Identifiers: ClinVar variation 215493 (VCV000215493.21), dbSNP rs146828513, ClinGen allele CA337872.